The following is an entry in ClinVar:

ClinVar aggregate classification (germline): Uncertain significance (1 of 4 stars; one submission).

gnomAD v4.1: 6 of 1,613,562 alleles (0.00037%); highest among the groups gnomAD compares: Admixed American, 0.0083%; no homozygotes.

Submission:

Women's Health and Genetics/Laboratory Corporation of America, LabCorp
Classification: Uncertain significance. Last evaluated: 2026-03-24. Review status: criteria provided, single submitter. Criteria: LabCorp Variant Classification Summary - May 2015. Collection method: clinical testing. Allele origin: germline.
Comment: Variant summary: AEBP1 c.2738C>T (p.Thr913Met) results in a non-conservative amino acid change in the encoded protein sequence. Algorithms developed to predict the effect of missense changes on protein structure and function are either unavailable or do not agree on the potential impact of this missense change. The variant was absent in 250418 control chromosomes. The available data on variant occurrences in the general population are insufficient to allow any conclusion about variant significance. To our knowledge, no occurrence of c.2738C>T in individuals affected with AEBP1-related conditions and no experimental evidence demonstrating its impact on protein function have been reported. No submitters have cited clinical-significance assessments for this variant to ClinVar. Based on the evidence outlined above, the variant was classified as uncertain significance.

NM_001129.5(AEBP1):c.2738C>T (p.Thr913Met)

Gene: AEBP1 (AE binding protein 1; plus strand). Cytogenetic location: 7p13.
Variant type: single nucleotide variant.
Coding change: c.2738C>T on transcript NM_001129.5 (MANE Select); coding-DNA position 2738, C replaced by T.
Protein change: p.Thr913Met; replaces threonine 913 with methionine.
Molecular consequence: missense variant.
Genome position (GRCh38, 1-based): chr7:44,113,280, C>T. VCF-style: chr7-44113280-C-T. GRCh37 (hg19) VCF-style: chr7-44152879-C-T.
Other names: short protein forms T913M.
Identifiers: ClinVar variation 4847701 (VCV004847701.1).